The following is an entry in ClinVar:

NM_000545.8(HNF1A):c.772C>G (p.Leu258Val)

Gene: HNF1A (HNF1 homeobox A; plus strand). Cytogenetic location: 12q24.31.
Variant type: single nucleotide variant.
Coding change: c.772C>G on transcript NM_000545.8 (MANE Select); coding-DNA position 772, C replaced by G.
Protein change: p.Leu258Val; replaces leucine 258 with valine.
Molecular consequence: missense variant.
Genome position (GRCh38, 1-based): chr12:120,994,222, C>G. VCF-style: chr12-120994222-C-G. GRCh37 (hg19) VCF-style: chr12-121432025-C-G.
Other names: c.772C>G, p.Leu258Val (NM_001306179.2); short protein forms L258V.
Identifiers: ClinVar variation 1486627 (VCV001486627.8), dbSNP rs1186303503, ClinGen allele CA386966045.

ClinVar aggregate classification (germline): Uncertain significance (1 of 4 stars; one submission).

Allele frequency attached by ClinVar (database versions not stated): gnomAD exomes below 0.00001.
gnomAD v4.1: 1 of 1,613,612 alleles (0.000062%); highest among the groups gnomAD compares: Admixed American, 0.0017%; no homozygotes.

Submission:

Labcorp Genetics (formerly Invitae), Labcorp
Classification: Uncertain significance. Last evaluated: 2024-11-22. Review status: criteria provided, single submitter. Criteria: Invitae Variant Classification Sherloc (09022015). Collection method: clinical testing. Allele origin: germline.
Comment: This sequence change replaces leucine, which is neutral and non-polar, with valine, which is neutral and non-polar, at codon 258 of the HNF1A protein (p.Leu258Val). This variant is present in population databases (no rsID available, gnomAD 0.003%). This variant has not been reported in the literature in individuals affected with HNF1A-related conditions. ClinVar contains an entry for this variant (Variation ID: 1486627). Invitae Evidence Modeling of protein sequence and biophysical properties (such as structural, functional, and spatial information, amino acid conservation, physicochemical variation, residue mobility, and thermodynamic stability) has been performed for this missense variant. However, the output from this modeling did not meet the statistical confidence thresholds required to predict the impact of this variant on HNF1A protein function. In summary, the available evidence is currently insufficient to determine the role of this variant in disease. Therefore, it has been classified as a Variant of Uncertain Significance.